The following is an entry in ClinVar:

ClinVar aggregate classification (germline): Uncertain significance. Review status: criteria provided, multiple submitters, no conflicts (2 of 4 stars). 4 submissions from 4 submitters: Uncertain significance (4). Last evaluated 2025-11-05.

Conditions:
Inborn genetic diseases. Identifiers: MedGen C0950123, MeSH D030342.
Inflammatory bowel disease 25. Also called: Inflammatory bowel disease 25, early onset, autosomal recessive. Identifiers: Orphanet 238569, MedGen C2675508, MONDO:0012941, OMIM 612567.

Allele frequency attached by ClinVar (database versions not stated): ExAC 0.00011; gnomAD exomes 0.00012 and 0.00014; TOPMed 0.00016; gnomAD 0.00025.
gnomAD v4.1: 201 of 1,613,866 alleles (0.012%); highest among the groups gnomAD compares: Admixed American, 0.035%; no homozygotes.

Submissions (4):

Ambry Genetics
Classification: Uncertain significance for Inborn genetic diseases. Last evaluated: 2025-11-05. Review status: criteria provided, single submitter. Criteria: Ambry Variant Classification Scheme 2023. Collection method: clinical testing. Allele origin: germline.

Mayo Clinic Laboratories, Mayo Clinic
Classification: Uncertain significance. Last evaluated: 2023-02-24. Review status: criteria provided, single submitter. Criteria: ACMG Guidelines, 2015. Collection method: clinical testing. Allele origin: germline. Observed: 1 variant allele.
Comment: BP4

Labcorp Genetics (formerly Invitae), Labcorp
Classification: Uncertain significance for Inflammatory bowel disease 25. Last evaluated: 2022-08-19. Review status: criteria provided, single submitter. Criteria: Invitae Variant Classification Sherloc (09022015). Collection method: clinical testing. Allele origin: germline.
Comment: This sequence change replaces glycine, which is neutral and non-polar, with serine, which is neutral and polar, at codon 240 of the IL10RB protein (p.Gly240Ser). This variant is present in population databases (rs777514296, gnomAD 0.03%). This variant has not been reported in the literature in individuals affected with IL10RB-related conditions. ClinVar contains an entry for this variant (Variation ID: 566702). Algorithms developed to predict the effect of missense changes on protein structure and function (SIFT, PolyPhen-2, Align-GVGD) all suggest that this variant is likely to be tolerated. Algorithms developed to predict the effect of sequence changes on RNA splicing suggest that this variant may create or strengthen a splice site. In summary, the available evidence is currently insufficient to determine the role of this variant in disease. Therefore, it has been classified as a Variant of Uncertain Significance.

Illumina Laboratory Services, Illumina
Classification: Uncertain significance for Inflammatory bowel disease 25. Last evaluated: 2018-01-12. Review status: criteria provided, single submitter. Criteria: ICSL Variant Classification Criteria 13 December 2019. Collection method: clinical testing. Allele origin: germline.

NM_000628.5(IL10RB):c.718G>A (p.Gly240Ser)

Genes: IFNAR2-IL10RB (IFNAR2-IL10RB readthrough; plus strand), IL10RB (interleukin 10 receptor subunit beta; plus strand). Cytogenetic location: 21q22.11.
Variant type: single nucleotide variant.
Coding change: c.718G>A on transcript NM_000628.5 (MANE Select); coding-DNA position 718, G replaced by A.
Protein change: p.Gly240Ser; replaces glycine 240 with serine.
Molecular consequence: missense variant.
Genome position (GRCh38, 1-based): chr21:33,288,175, G>A. VCF-style: chr21-33288175-G-A. GRCh37 (hg19) VCF-style: chr21-34660480-G-A.
Other names: p.Gly240Ser; c.718G>A (NM_000628.3); short protein forms G240S.
Identifiers: ClinVar variation 566702 (VCV000566702.11), dbSNP rs777514296, ClinGen allele CA10006225.